The following is an entry in ClinVar:

ClinVar aggregate classification (germline): Uncertain significance. Review status: criteria provided, multiple submitters, no conflicts (2 of 4 stars). 2 submissions from 2 submitters: Uncertain significance (2). Last evaluated 2025-08-02.

Conditions:
Aortic valve disease 3. Identifiers: MedGen C5193127, MONDO:0032783, OMIM 618496.

gnomAD v4.1: 143 of 1,612,702 alleles (0.0089%); highest among the groups gnomAD compares: South Asian, 0.046%; no homozygotes.

Submissions (2):

Ambry Genetics
Classification: Uncertain significance. Last evaluated: 2025-08-02. Review status: criteria provided, single submitter. Criteria: Ambry Variant Classification Scheme 2023. Collection method: clinical testing. Allele origin: germline.

Johns Hopkins Genomics, Johns Hopkins University
Classification: Uncertain significance for Aortic valve disease 3. Last evaluated: 2024-06-26. Review status: criteria provided, single submitter. Criteria: ACMG Guidelines, 2015. Collection method: clinical testing. Allele origin: germline.
Comment: This ROBO4 variant (rs145321826) is rare (<0.1%) in a large population dataset (gnomADv2.1.1: 44/278340 total alleles; 0.015%; no homozygotes) and has not been reported in ClinVar nor the literature, to our knowledge. Two bioinformatic tools queried predict that this substitution would be damaging, and the arginine residue at this position is strongly conserved across the vertebrate species assessed. Bioinformatic analysis predicts that this missense variant would not affect normal exon 9 splicing, although this has not been confirmed experimentally to our knowledge. Due to insufficient evidence that this variant is deleterious, we consider the clinical significance of c.1474C>T to be uncertain at this time.

Literature cited by the submitters: PubMed 30455415 (cited by Johns Hopkins Genomics, Johns Hopkins University).

NM_019055.6(ROBO4):c.1474C>T (p.Arg492Trp)

Gene: ROBO4 (roundabout guidance receptor 4; minus strand). Cytogenetic location: 11q24.2.
Variant type: single nucleotide variant.
Coding change: c.1474C>T on transcript NM_019055.6 (MANE Select); coding-DNA position 1474, C replaced by T.
Protein change: p.Arg492Trp; replaces arginine 492 with tryptophan.
Molecular consequence: missense variant.
Genome position (GRCh38, 1-based): chr11:124,893,890, G>A on the plus strand (C>T on the coding strand, the complement: ROBO4 is on the minus strand). VCF-style: chr11-124893890-G-A. GRCh37 (hg19) VCF-style: chr11-124763786-G-A.
Other names: c.1039C>T, p.Arg347Trp (NM_001301088.2); c.1474C>T, p.Arg492Trp (NM_001441183.1); short protein forms R492W, R347W.
Identifiers: ClinVar variation 4156056 (VCV004156056.2).